The following is an entry in ClinVar:

ClinVar aggregate classification (germline): Uncertain significance (1 of 4 stars; one submission).

Conditions:
Inborn genetic diseases. Identifiers: MedGen C0950123, MeSH D030342.

Submission:

Ambry Genetics
Classification: Uncertain significance for Inborn genetic diseases. Last evaluated: 2024-05-25. Review status: criteria provided, single submitter. Criteria: Ambry Variant Classification Scheme 2023. Collection method: clinical testing. Allele origin: germline.
Comment: The p.L406P variant (also known as c.1217T>C), located in coding exon 12 of the ERCC2 gene, results from a T to C substitution at nucleotide position 1217. The leucine at codon 406 is replaced by proline, an amino acid with similar properties. This amino acid position is conserved. In addition, this alteration is predicted to be deleterious by in silico analysis. Based on the available evidence, the clinical significance of this variant remains unclear.

NM_000400.4(ERCC2):c.1217T>C (p.Leu406Pro)

Gene: ERCC2 (ERCC excision repair 2, TFIIH core complex helicase subunit; minus strand). Cytogenetic location: 19q13.32.
Variant type: single nucleotide variant.
Coding change: c.1217T>C on transcript NM_000400.4 (MANE Select); coding-DNA position 1217, T replaced by C.
Protein change: p.Leu406Pro; replaces leucine 406 with proline.
Molecular consequence: missense variant.
Genome position (GRCh38, 1-based): chr19:45,361,544, A>G on the plus strand (T>C on the coding strand, the complement: ERCC2 is on the minus strand). VCF-style: chr19-45361544-A-G. GRCh37 (hg19) VCF-style: chr19-45864802-A-G.
Other names: c.1145T>C, p.Leu382Pro (NM_001130867.2); short protein forms L382P, L406P.
Identifiers: ClinVar variation 3276241 (VCV003276241.1).